The following is an entry in ClinVar:

ClinVar aggregate classification (germline): Uncertain significance. Review status: criteria provided, multiple submitters, no conflicts (2 of 4 stars). 4 submissions from 4 submitters: Uncertain significance (4). Last evaluated 2026-02-03.

Conditions:
Hereditary cancer-predisposing syndrome. Also called: Tumor predisposition; Hereditary Cancer Syndrome; Hereditary neoplastic syndrome; Neoplastic Syndromes, Hereditary. Identifiers: Orphanet 140162, MedGen C0027672, MeSH D009386, MONDO:0015356.
Ataxia-telangiectasia syndrome (AT). Also called: Ataxia telangiectasia (A-T); LOUIS-BAR SYNDROME; Cerebello-oculocutaneous telangiectasia; Immunodeficiency with ataxia telangiectasia; ATAXIA-TELANGIECTASIA, COMPLEMENTATION GROUP A; ATAXIA-TELANGIECTASIA, FRESNO VARIANT. Identifiers: Orphanet 100, MedGen C0004135, MONDO:0008840, OMIM 208900.

Allele frequency attached by ClinVar (database versions not stated): gnomAD exomes below 0.00001; TOPMed below 0.00001; gnomAD 0.00001.
gnomAD v4.1: 5 of 1,613,868 alleles (0.00031%); highest among the groups gnomAD compares: Non-Finnish European, 0.00042%; no homozygotes.

Submissions (4):

Labcorp Genetics (formerly Invitae), Labcorp
Classification: Uncertain significance for Ataxia-telangiectasia syndrome. Last evaluated: 2026-02-03. Review status: criteria provided, single submitter. Criteria: Invitae Variant Classification Sherloc (09022015). Collection method: clinical testing. Allele origin: germline.
Comment: This sequence change replaces cysteine, which is neutral and slightly polar, with phenylalanine, which is neutral and non-polar, at codon 1286 of the ATM protein (p.Cys1286Phe). This variant is present in population databases (no rsID available, gnomAD 0.0009%). This missense change has been observed in individual(s) with breast and/or ovarian cancer (PMID: 30613976, 36035419). ClinVar contains an entry for this variant (Variation ID: 233978). Invitae Evidence Modeling of protein sequence and biophysical properties (such as structural, functional, and spatial information, amino acid conservation, physicochemical variation, residue mobility, and thermodynamic stability) has been performed for this missense variant. However, the output from this modeling did not meet the statistical confidence thresholds required to predict the impact of this variant on ATM protein function. In summary, the available evidence is currently insufficient to determine the role of this variant in disease. Therefore, it has been classified as a Variant of Uncertain Significance.

Ambry Genetics
Classification: Uncertain significance for Hereditary cancer-predisposing syndrome. Last evaluated: 2025-07-16. Review status: criteria provided, single submitter. Criteria: Ambry Variant Classification Scheme 2023. Collection method: clinical testing. Allele origin: germline.
Comment: The p.C1286F variant (also known as c.3857G>T), located in coding exon 25 of the ATM gene, results from a G to T substitution at nucleotide position 3857. The cysteine at codon 1286 is replaced by phenylalanine, an amino acid with highly dissimilar properties. This variant was identified in 1 of 1528 breast cancer cases and 0 of 3733 unaffected controls (Dumont M et al. Cancers (Basel), 2022 Jul;14:). This amino acid position is highly conserved in available vertebrate species. In addition, this alteration is predicted to be deleterious by in silico analysis. Based on the available evidence, the clinical significance of this variant remains unclear.

GeneDx
Classification: Uncertain significance. Last evaluated: 2024-04-16. Review status: criteria provided, single submitter. Criteria: GeneDx Variant Classification Process June 2021. Collection method: clinical testing. Allele origin: germline. Affected: yes.
Comment: Not observed at significant frequency in large population cohorts (gnomAD); In silico analysis supports that this missense variant has a deleterious effect on protein structure/function; This variant is associated with the following publications: (PMID: 30613976, 36035419)

Color Diagnostics, LLC DBA Color Health
Classification: Uncertain significance for Hereditary cancer-predisposing syndrome. Last evaluated: 2023-02-17. Review status: criteria provided, single submitter. Criteria: ACMG Guidelines, 2015. Collection method: clinical testing. Allele origin: germline.
Comment: This missense variant replaces cysteine with phenylalanine at codon 1286 of the ATM protein. Computational prediction is inconclusive regarding the impact of this variant on protein structure and function (internally defined REVEL score threshold 0.5 < inconclusive < 0.7, PMID: 27666373). To our knowledge, functional studies have not been performed for this variant. This variant has been reported in an individual with a family history of breast cancer and/or ovarian cancer (PMID: 36035419). This variant has been identified in 1/251268 chromosomes in the general population by the Genome Aggregation Database (gnomAD). The available evidence is insufficient to determine the role of this variant in disease conclusively. Therefore, this variant is classified as a Variant of Uncertain Significance.

Literature cited by the submitters: PubMed 30613976 (cited by Labcorp Genetics (formerly Invitae), Labcorp and Ambry Genetics); PubMed 36035419 (cited by Labcorp Genetics (formerly Invitae), Labcorp and Color Diagnostics, LLC DBA Color Health); PubMed 35884425 (cited by Ambry Genetics).

NM_000051.4(ATM):c.3857G>T (p.Cys1286Phe)

Gene: ATM (ATM serine/threonine kinase; plus strand). Cytogenetic location: 11q22.3.
Variant type: single nucleotide variant.
Coding change: c.3857G>T on transcript NM_000051.4 (MANE Select); coding-DNA position 3857, G replaced by T.
Protein change: p.Cys1286Phe; replaces cysteine 1286 with phenylalanine.
Molecular consequence: missense variant.
Genome position (GRCh38, 1-based): chr11:108,284,337, G>T. VCF-style: chr11-108284337-G-T. GRCh37 (hg19) VCF-style: chr11-108155064-G-T.
Other names: c.3857G>T, p.Cys1286Phe (NM_001351834.2); short protein forms C1286F.
Identifiers: ClinVar variation 233978 (VCV000233978.21), dbSNP rs876660770, ClinGen allele CA10579125.